The following is an entry in ClinVar:

NM_000248.4(MITF):c.7G>A (p.Glu3Lys)

Gene: MITF (melanocyte inducing transcription factor; plus strand). Cytogenetic location: 3p13.
Variant type: single nucleotide variant.
Coding change: c.7G>A on transcript NM_000248.4 (MANE Plus Clinical); coding-DNA position 7, G replaced by A.
Protein change: p.Glu3Lys; replaces glutamic acid 3 with lysine.
Molecular consequence: missense variant. On other transcripts: intron variant (9).
Genome position (GRCh38, 1-based): chr3:69,936,729, G>A. VCF-style: chr3-69936729-G-A. GRCh37 (hg19) VCF-style: chr3-69985880-G-A.
Other names: c.7G>A, p.Glu3Lys (NM_001184968.2, NM_198158.3, NM_198178.3); c.304-1093G>A (NM_001354607.2); c.199-1093G>A (NM_001354608.2, NM_001184967.2); c.355-1093G>A (NM_001354604.2, NM_198159.3); c.352-1093G>A (NM_001354605.2, NM_001354606.2, NM_006722.3); c.307-1093G>A (NM_198177.3); short protein forms E3K.
Identifiers: ClinVar variation 2636830 (VCV002636830.4), dbSNP rs771316323, ClinGen allele CA2490325.
Genomic context (GRCh38, chr3:69,936,729, plus strand): 5'-AGGGAGGGATAGTCTACCGTCTCTCACTGGATTGGTGCCACCTAAAACATTGTTATGCTG[G>A]AAATGCTAGAATATAATCACTATCAGGTGAGATTTATTCTGACTCATATTCAGTCTTTGA-3'
Protein context (NP_000239.1, residues 1-13): ML[Glu3Lys]MLEYNHYQVQ

ClinVar aggregate classification (germline): Conflicting classifications of pathogenicity. Review status: criteria provided, conflicting classifications (1 of 4 stars). 3 submissions from 3 submitters: Uncertain significance (2); Likely benign (1). Last evaluated 2026-01-24.

Conditions:
Tietz syndrome (TADS). Also called: ALBINISM-DEAFNESS OF TIETZ; HYPOPIGMENTATION/DEAFNESS OF TIETZ; TIETZ ALBINISM-DEAFNESS SYNDROME. Identifiers: Orphanet 42665, MedGen C0391816, MONDO:0007077, OMIM 103500.
Melanoma, cutaneous malignant, susceptibility to, 8. Also called: MELANOMA AND RENAL CELL CARCINOMA, SUSCEPTIBILITY TO; Cutaneous malignant melanoma 8. Identifiers: Orphanet 293822, MedGen C3152204, MONDO:0013759, OMIM 614456.
Waardenburg syndrome type 2A (WS2A). Also called: WAARDENBURG SYNDROME WITHOUT DYSTOPIA CANTHORUM. Identifiers: Orphanet 3440, MedGen C1860339, MONDO:0008671, OMIM 193510.
Hereditary cancer-predisposing syndrome. Also called: Tumor predisposition; Neoplastic Syndromes, Hereditary; Hereditary neoplastic syndrome; Hereditary Cancer Syndrome. Identifiers: Orphanet 140162, MedGen C0027672, MeSH D009386, MONDO:0015356.
MITF-related disorder. Also called: MITF-related condition.

Allele frequency attached by ClinVar (database versions not stated): ExAC 0.00001; gnomAD exomes 0.00001; TOPMed 0.00001.
gnomAD v4.1: 3 of 1,613,566 alleles (0.00019%); highest among the groups gnomAD compares: Admixed American, 0.005%; no homozygotes.

Submissions (3):

Labcorp Genetics (formerly Invitae), Labcorp
Classification: Uncertain significance for Melanoma, cutaneous malignant, susceptibility to, 8; Waardenburg syndrome type 2A; Tietz syndrome. Last evaluated: 2026-01-24. Review status: criteria provided, single submitter. Criteria: Invitae Variant Classification Sherloc (09022015). Collection method: clinical testing. Allele origin: germline.
Comment: This sequence change replaces glutamic acid, which is acidic and polar, with lysine, which is basic and polar, at codon 3 of the MITF protein (p.Glu3Lys). This variant is present in population databases (rs771316323, gnomAD 0.009%). This variant has not been reported in the literature in individuals affected with MITF-related conditions. ClinVar contains an entry for this variant (Variation ID: 2636830). An algorithm developed to predict the effect of missense changes on protein structure and function (PolyPhen-2) suggests that this variant is likely to be tolerated. In summary, the available evidence is currently insufficient to determine the role of this variant in disease. Therefore, it has been classified as a Variant of Uncertain Significance.

Ambry Genetics
Classification: Likely benign for Hereditary cancer-predisposing syndrome. Last evaluated: 2025-10-22. Review status: criteria provided, single submitter. Criteria: Ambry Variant Classification Scheme 2023. Collection method: clinical testing. Allele origin: germline.

PreventionGenetics, part of Exact Sciences
Classification: Uncertain significance for MITF-related condition. Last evaluated: 2023-03-29. Review status: criteria provided, single submitter. Criteria: ACMG Guidelines, 2015. Collection method: clinical testing. Allele origin: germline.
Comment: The MITF c.7G>A variant is predicted to result in the amino acid substitution p.Glu3Lys. To our knowledge, this variant has not been reported in the literature. This variant is reported in 0.0087% of alleles in individuals of Latino descent in gnomAD. At this time, the clinical significance of this variant is uncertain due to the absence of conclusive functional and genetic evidence.